The following is an entry in ClinVar:

ClinVar aggregate classification (germline): Benign. Review status: criteria provided, multiple submitters, no conflicts (2 of 4 stars). 7 submissions from 5 submitters: Benign (7). Last evaluated 2021-10-25.

Conditions:
Muscular dystrophy-dystroglycanopathy (congenital with brain and eye anomalies), type A1 (MDDGA1). Also called: WALKER-WARBURG SYNDROME OR MUSCLE-EYE-BRAIN DISEASE, POMT1-RELATED; Hydrocephalus, agyria and retinal dysplasia; Hard +/- E syndrome; Warburg syndrome; Chemke syndrome; Pagon syndrome. Identifiers: Orphanet 588, Orphanet 899, MedGen C4284790, MONDO:0009364, OMIM 236670.
Autosomal recessive limb-girdle muscular dystrophy type 2K. Also called: MUSCULAR DYSTROPHY-DYSTROGLYCANOPATHY (LIMB-GIRDLE), TYPE C, 1; MUSCULAR DYSTROPHY, LIMB-GIRDLE, TYPE 2K. Identifiers: Orphanet 86812, MedGen C1836373, MONDO:0012248, OMIM 609308.
Muscular dystrophy-dystroglycanopathy (congenital with impaired intellectual development), type B, 1. Also called: Muscular dystrophy-dystroglycanopathy (congenital with intellectual disability), type B1; MUSCULAR DYSTROPHY, CONGENITAL, POMT1-RELATED. Identifiers: MedGen C5436962, MONDO:0013159, OMIM 613155.

Allele frequency attached by ClinVar (database versions not stated): 1000 Genomes Project 30x 0.86618; TOPMed 0.86765; 1000 Genomes Project 0.87041; ESP Exome Variant Server 0.87898; gnomAD 0.88174 and 0.88624; gnomAD exomes 0.92300 and 0.94543; ExAC 0.92445.

Submissions (7):

Genome-Nilou Lab
Classification: Benign for Muscular dystrophy-dystroglycanopathy (congenital with brain and eye anomalies), type A1. Last evaluated: 2021-10-25. Review status: criteria provided, single submitter. Criteria: ACMG Guidelines, 2015. Collection method: clinical testing. Allele origin: germline. Affected: no.

Genome-Nilou Lab
Classification: Benign for Muscular dystrophy-dystroglycanopathy (congenital with impaired intellectual development), type B, 1. Last evaluated: 2021-10-25. Review status: criteria provided, single submitter. Criteria: ACMG Guidelines, 2015. Collection method: clinical testing. Allele origin: germline. Affected: no.

Genome-Nilou Lab
Classification: Benign for Autosomal recessive limb-girdle muscular dystrophy type 2K. Last evaluated: 2021-10-25. Review status: criteria provided, single submitter. Criteria: ACMG Guidelines, 2015. Collection method: clinical testing. Allele origin: germline. Affected: no.

GeneDx
Classification: Benign. Last evaluated: 2018-06-14. Review status: criteria provided, single submitter. Criteria: GeneDx Variant Classification Process June 2021. Collection method: clinical testing. Allele origin: germline. Affected: yes.

Illumina Laboratory Services, Illumina
Classification: Benign for Autosomal recessive limb-girdle muscular dystrophy type 2K. Last evaluated: 2018-01-13. Review status: criteria provided, single submitter. Criteria: ICSL Variant Classification Criteria 13 December 2019. Collection method: clinical testing. Allele origin: germline.
Comment: This variant was observed in the ICSL laboratory as part of a predisposition screen in an ostensibly healthy population. It had not been previously curated by ICSL or reported in the Human Gene Mutation Database (HGMD: prior to June 1st, 2018), and was therefore a candidate for classification through an automated scoring system. Utilizing variant allele frequency, disease prevalence and penetrance estimates, and inheritance mode, an automated score was calculated to assess if this variant is too frequent to cause the disease. Based on the score and internal cut-off values, a variant classified as benign is not then subjected to further curation. The score for this variant resulted in a classification of benign for this disease.

Breakthrough Genomics
Classification: Benign. Review status: criteria provided, single submitter. Criteria: ACMG Guidelines, 2015. Collection method: not provided. Allele origin: germline. Inheritance: Autosomal recessive inheritance. Affected: yes.

PreventionGenetics, part of Exact Sciences
Classification: Benign. Review status: criteria provided, single submitter. Criteria: ACMG Guidelines, 2015. Collection method: clinical testing. Allele origin: germline.

NM_001077365.2(POMT1):c.*41T>C

Gene: POMT1 (protein O-mannosyltransferase 1; plus strand). Cytogenetic location: 9q34.13.
Variant type: single nucleotide variant.
Coding change: c.*41T>C on transcript NM_001077365.2 (MANE Select); 41 bases downstream of the stop codon, T replaced by C.
Molecular consequence: 3 prime UTR variant. On other transcripts: non-coding transcript variant (10).
Genome position (GRCh38, 1-based): chr9:131,523,147, T>C. VCF-style: chr9-131523147-T-C. GRCh37 (hg19) VCF-style: chr9-134398534-T-C.
Other names: c.*41T>C (NM_001077366.2, NM_001136113.2, NM_001136114.2 and 15 more transcripts).
Identifiers: ClinVar variation 260136 (VCV000260136.12), dbSNP rs3739495, ClinGen allele CA5293963.
Genomic context (GRCh38, chr9:131,523,147, plus strand): 5'-TCTTGATCCGAAAACACTAGAACAAGAGTGTGGCAAAGAACACCCGTGCTGGGGTCGGGA[T>C]GAGGTTGAAGGGTCTTGGTCAATGTACGTAATGAGCAGGGTGGGCCCCACGCTGGGAGGA-3'